The following is an entry in ClinVar:

NM_017654.4(SAMD9):c.520C>A (p.Arg174Ser)

Gene: SAMD9 (sterile alpha motif domain containing 9; minus strand). Cytogenetic location: 7q21.2.
Variant type: single nucleotide variant.
Coding change: c.520C>A on transcript NM_017654.4 (MANE Select); coding-DNA position 520, C replaced by A.
Protein change: p.Arg174Ser; replaces arginine 174 with serine.
Molecular consequence: missense variant.
Genome position (GRCh38, 1-based): chr7:93,105,578, G>T on the plus strand (C>A on the coding strand, the complement: SAMD9 is on the minus strand). VCF-style: chr7-93105578-G-T. GRCh37 (hg19) VCF-style: chr7-92734891-G-T.
Other names: c.520C>A, p.Arg174Ser (NM_001193307.2); short protein forms R174S.
Identifiers: ClinVar variation 4827016 (VCV004827016.1).
Genomic context (GRCh38, chr7:93,105,578, plus strand): 5'-TCGGATCAATGAGATTGCCTGGTCCTGTTTCAGGCTGTAGACTAAAATCCAACTTGTAAC[G>T]ATATGGATTACTGAATTCATCAAATGGATATGATACACATGTCAGGTCTATGGATGGTTG-3'
Protein context (NP_060124.2, residues 164-184): YPFDEFSNPY[Arg174Ser]YKLDFSLQPE

ClinVar aggregate classification (germline): Uncertain significance (1 of 4 stars; one submission).

Conditions:
Inborn genetic diseases. Identifiers: MedGen C0950123, MeSH D030342.

gnomAD v4.1: 3 of 1,614,076 alleles (0.00019%); highest among the groups gnomAD compares: South Asian, 0.0033%; no homozygotes.

Submission:

Ambry Genetics
Classification: Uncertain significance for Inborn genetic diseases. Last evaluated: 2026-03-02. Review status: criteria provided, single submitter. Criteria: Ambry Variant Classification Scheme 2023. Collection method: clinical testing. Allele origin: germline.
Comment: The p.R174S variant (also known as c.520C>A), located in coding exon 1 of the SAMD9 gene, results from a C to A substitution at nucleotide position 520. The arginine at codon 174 is replaced by serine, an amino acid with dissimilar properties. This amino acid position is conserved. In addition, this alteration is predicted to be tolerated by in silico analysis. Based on the available evidence, the clinical significance of this variant remains unclear.